The following is an entry in ClinVar:

NM_058195.4(CDKN2A):c.97G>A (p.Glu33Lys)

Gene: CDKN2A (cyclin dependent kinase inhibitor 2A; minus strand). Cytogenetic location: 9p21.3.
Variant type: single nucleotide variant.
Coding change: c.97G>A on transcript NM_058195.4 (MANE Plus Clinical); coding-DNA position 97, G replaced by A.
Protein change: p.Glu33Lys; replaces glutamic acid 33 with lysine.
Molecular consequence: missense variant. On other transcripts: intron variant (1).
Genome position (GRCh38, 1-based): chr9:21,994,235, C>T on the plus strand (G>A on the coding strand, the complement: CDKN2A is on the minus strand). VCF-style: chr9-21994235-C-T. GRCh37 (hg19) VCF-style: chr9-21994234-C-T.
Other names: c.-4+586G>A (NM_001363763.2); short protein forms E33K.
Identifiers: ClinVar variation 947132 (VCV000947132.10), dbSNP rs1287464120, ClinGen allele CA373086955.
Genomic context (GRCh38, chr9:21,994,235, plus strand): 5'-GGCTCCTCAGTAGCATCAGCACGAGGGCCACAGCGGCGGGCGCCCCTGGCGCTGCCCACT[C>T]CCCCGTGAGCCGCGGGATGTGAACCACGAAAACCCTCACTCGCGGCGGGCCGCACGCGCG-3'
Protein context (NP_478102.2, residues 23-43): FVVHIPRLTG[Glu33Lys]WAAPGAPAAV

ClinVar aggregate classification (germline): Uncertain significance. Review status: criteria provided, multiple submitters, no conflicts (2 of 4 stars). 4 submissions from 4 submitters: Uncertain significance (4). Last evaluated 2025-01-20.

Conditions:
Melanoma and neural system tumor syndrome. Also called: MELANOMA-ASTROCYTOMA SYNDROME. Identifiers: Orphanet 252206, MedGen C1835042, MONDO:0007967, OMIM 155755.
Familial melanoma. Also called: Hereditary melanoma; Hereditary cutaneous melanoma. Identifiers: Orphanet 618, MedGen C1512419, MONDO:0018961.
Hereditary cancer-predisposing syndrome. Also called: Tumor predisposition; Neoplastic Syndromes, Hereditary; Hereditary neoplastic syndrome; Hereditary Cancer Syndrome. Identifiers: Orphanet 140162, MedGen C0027672, MeSH D009386, MONDO:0015356.

Allele frequency attached by ClinVar (database versions not stated): TOPMed 0.00001; gnomAD exomes 0.00002.

Submissions (4):

Ambry Genetics
Classification: Uncertain significance for Hereditary cancer-predisposing syndrome. Last evaluated: 2025-01-20. Review status: criteria provided, single submitter. Criteria: Ambry Variant Classification Scheme 2023. Collection method: clinical testing. Allele origin: germline.
Comment: The p.E33K variant (also known as c.97G>A), located in coding exon 1 of the CDKN2A (p14ARF) gene, results from a G to A substitution at nucleotide position 97. The glutamic acid at codon 33 is replaced by lysine, an amino acid with similar properties. This amino acid position is well conserved in available vertebrate species. Based on the available evidence, the clinical significance of this variant remains unclear.

Baylor Genetics
Classification: Uncertain significance for Melanoma and neural system tumor syndrome. Last evaluated: 2023-12-27. Review status: criteria provided, single submitter. Criteria: ACMG Guidelines, 2015. Collection method: clinical testing. Allele origin: unknown.

Quest Diagnostics Nichols Institute San Juan Capistrano
Classification: Uncertain significance. Last evaluated: 2023-06-29. Review status: criteria provided, single submitter. Criteria: Quest Diagnostics criteria. Collection method: clinical testing. Allele origin: unknown.
Comment: Analysis of this variant using bioinformatics tools for the prediction of the effect of amino acid changes on protein structure and function yielded conflicting predictions that this variant is deleterious or benign. Based on the available information, we are unable to determine the clinical significance of this variant.

Labcorp Genetics (formerly Invitae), Labcorp
Classification: Uncertain significance for Familial melanoma. Last evaluated: 2021-08-12. Review status: criteria provided, single submitter. Criteria: Invitae Variant Classification Sherloc (09022015). Collection method: clinical testing. Allele origin: germline.